The following is an entry in ClinVar:

ClinVar aggregate classification (germline): Benign. Review status: criteria provided, multiple submitters, no conflicts (2 of 4 stars). 2 submissions from 2 submitters: Benign (2). Last evaluated 2018-01-12.

Conditions:
Posterior column ataxia-retinitis pigmentosa syndrome (RETSNS). Also called: RETINOPATHY-SENSORY NEUROPATHY SYNDROME. Identifiers: Orphanet 88628, MedGen C1836916, MONDO:0012177, OMIM 609033.

Allele frequency attached by ClinVar (database versions not stated): gnomAD exomes 0.00059; gnomAD 0.00428 and 0.00463; TOPMed 0.00536; 1000 Genomes Project 0.00599; 1000 Genomes Project 30x 0.00703.
gnomAD v4.1: 870 of 508,488 alleles (0.17%); highest among the groups gnomAD compares: African/African-American, 1.5%; 5 homozygotes.

Submissions (2):

Illumina Laboratory Services, Illumina
Classification: Benign for Posterior column ataxia-retinitis pigmentosa syndrome. Last evaluated: 2018-01-12. Review status: criteria provided, single submitter. Criteria: ICSL Variant Classification Criteria 13 December 2019. Collection method: clinical testing. Allele origin: germline.
Comment: This variant was observed in the ICSL laboratory as part of a predisposition screen in an ostensibly healthy population. It had not been previously curated by ICSL or reported in the Human Gene Mutation Database (HGMD: prior to June 1st, 2018), and was therefore a candidate for classification through an automated scoring system. Utilizing variant allele frequency, disease prevalence and penetrance estimates, and inheritance mode, an automated score was calculated to assess if this variant is too frequent to cause the disease. Based on the score and internal cut-off values, a variant classified as benign is not then subjected to further curation. The score for this variant resulted in a classification of benign for this disease.

Breakthrough Genomics
Classification: Benign. Review status: criteria provided, single submitter. Criteria: ACMG Guidelines, 2015. Collection method: not provided. Allele origin: germline. Inheritance: Autosomal recessive inheritance. Affected: yes.

NM_017791.3(FLVCR2):c.*254T>C

Gene: FLVCR2 (FLVCR choline and putative heme transporter 2; plus strand). Cytogenetic location: 14q24.3.
Variant type: single nucleotide variant.
Coding change: c.*254T>C on transcript NM_017791.3 (MANE Select); 254 bases downstream of the stop codon, T replaced by C.
Molecular consequence: 3 prime UTR variant.
Genome position (GRCh38, 1-based): chr14:75,646,726, T>C. VCF-style: chr14-75646726-T-C. GRCh37 (hg19) VCF-style: chr14-76113069-T-C.
Other names: c.*254T>C (NM_001195283.2).
Identifiers: ClinVar variation 884416 (VCV000884416.5), dbSNP rs115212564, ClinGen allele CA263683416.